The following is an entry in ClinVar:

ClinVar aggregate classification (germline): Uncertain significance. Review status: criteria provided, multiple submitters, no conflicts (2 of 4 stars). 5 submissions from 5 submitters: Uncertain significance (4). 1 of the submissions does not count toward it. Last evaluated 2025-12-15.

Conditions:
Meniere disease. Also called: Ménière's disease. Identifiers: MedGen C0025281, MONDO:0007972, OMIM 156000.
Atrial conduction disease. Identifiers: Orphanet 436242, MedGen CN221670, MONDO:0014500.
Inborn genetic diseases. Identifiers: MedGen C0950123, MeSH D030342.

Allele frequency attached by ClinVar (database versions not stated): gnomAD 0.00001; gnomAD exomes 0.00001; TOPMed 0.00002.
gnomAD v4.1: 14 of 1,610,360 alleles (0.00087%); highest among the groups gnomAD compares: Non-Finnish European, 0.0012%; no homozygotes.

Submissions (5):

Labcorp Genetics (formerly Invitae), Labcorp
Classification: Uncertain significance. Last evaluated: 2025-12-15. Review status: criteria provided, single submitter. Criteria: Invitae Variant Classification Sherloc (09022015). Collection method: clinical testing. Allele origin: germline.
Comment: This sequence change replaces isoleucine, which is neutral and non-polar, with methionine, which is neutral and non-polar, at codon 463 of the TNNI3K protein (p.Ile463Met). This variant is not present in population databases (gnomAD no frequency). This variant has not been reported in the literature in individuals affected with TNNI3K-related conditions. ClinVar contains an entry for this variant (Variation ID: 2180971). Invitae Evidence Modeling of protein sequence and biophysical properties (such as structural, functional, and spatial information, amino acid conservation, physicochemical variation, residue mobility, and thermodynamic stability) indicates that this missense variant is not expected to disrupt TNNI3K protein function with a negative predictive value of 80%. In summary, the available evidence is currently insufficient to determine the role of this variant in disease. Therefore, it has been classified as a Variant of Uncertain Significance.

Genome-Nilou Lab
Classification: Uncertain significance for Cardiac conduction disease with or without dilated cardiomyopathy 1. Last evaluated: 2023-04-11. Review status: criteria provided, single submitter. Criteria: ACMG Guidelines, 2015. Collection method: clinical testing. Allele origin: germline. Affected: no.

Mayo Clinic Laboratories, Mayo Clinic
Classification: Uncertain significance. Last evaluated: 2023-03-23. Review status: criteria provided, single submitter. Criteria: ACMG Guidelines, 2015. Collection method: clinical testing. Allele origin: germline. Observed: 1 variant allele.
Comment: BP4, PM2_supporting

Ambry Genetics
Classification: Uncertain significance for Inborn genetic diseases. Last evaluated: 2023-01-23. Review status: criteria provided, single submitter. Criteria: Ambry Variant Classification Scheme 2023. Collection method: clinical testing. Allele origin: germline.

Center for Computational Biology & Bioinformatics, University of California, San Diego
Classification: Uncertain significance for Meniere disease. Last evaluated: 2024-06-03. Review status: no assertion criteria provided. Collection method: research. Allele origin: germline. Affected: yes. Not counted in ClinVar's aggregate classification.

NM_015978.3(TNNI3K):c.1389T>G (p.Ile463Met)

Genes: FPGT-TNNI3K (FPGT-TNNI3K readthrough; plus strand), TNNI3K (TNNI3 interacting kinase; plus strand). Cytogenetic location: 1p31.1.
Variant type: single nucleotide variant.
Coding change: c.1389T>G on transcript NM_015978.3 (MANE Select); coding-DNA position 1389, T replaced by G.
Protein change: p.Ile463Met; replaces isoleucine 463 with methionine.
Molecular consequence: missense variant.
Genome position (GRCh38, 1-based): chr1:74,369,089, T>G. VCF-style: chr1-74369089-T-G. GRCh37 (hg19) VCF-style: chr1-74834773-T-G.
Other names: p.Ile463Met; c.1692T>G, p.Ile564Met (NM_001112808.3, NM_001199327.2); short protein forms I463M, I564M.
Identifiers: ClinVar variation 2180971 (VCV002180971.9), dbSNP rs779108329, ClinGen allele CA24544482.